The following is an entry in ClinVar:

NM_001378120.1(MBD5):c.2086T>C (p.Phe696Leu)

Gene: MBD5 (methyl-CpG binding domain protein 5; plus strand). Cytogenetic location: 2q23.1.
Variant type: single nucleotide variant.
Coding change: c.2086T>C on transcript NM_001378120.1 (MANE Select); coding-DNA position 2086, T replaced by C.
Protein change: p.Phe696Leu; replaces phenylalanine 696 with leucine.
Molecular consequence: missense variant.
Genome position (GRCh38, 1-based): chr2:148,470,029, T>C. VCF-style: chr2-148470029-T-C. GRCh37 (hg19) VCF-style: chr2-149227598-T-C.
Other names: c.2086T>C, p.Phe696Leu (NM_018328.5); short protein forms F696L.
Identifiers: ClinVar variation 1969408 (VCV001969408.5), dbSNP rs1680741040, ClinGen allele CA348721081.

ClinVar aggregate classification (germline): Uncertain significance (1 of 4 stars; one submission).

Conditions:
Intellectual developmental disorder, autosomal dominant 1. Also called: MBD5 Haploinsufficiency; Intellectual disability, autosomal dominant 1. Identifiers: Orphanet 228402, MedGen C1969562, MONDO:0007974, OMIM 156200.

Allele frequency attached by ClinVar (database versions not stated): gnomAD 0.00001; TOPMed 0.00002.
gnomAD v4.1: 2 of 1,613,766 alleles (0.00012%); highest among the groups gnomAD compares: Admixed American, 0.0033%; no homozygotes.

Submission:

Labcorp Genetics (formerly Invitae), Labcorp
Classification: Uncertain significance for Intellectual developmental disorder, autosomal dominant 1. Last evaluated: 2022-11-01. Review status: criteria provided, single submitter. Criteria: Invitae Variant Classification Sherloc (09022015). Collection method: clinical testing. Allele origin: germline.
Comment: This sequence change replaces phenylalanine, which is neutral and non-polar, with leucine, which is neutral and non-polar, at codon 696 of the MBD5 protein (p.Phe696Leu). This variant is not present in population databases (gnomAD no frequency). In summary, the available evidence is currently insufficient to determine the role of this variant in disease. Therefore, it has been classified as a Variant of Uncertain Significance. Advanced modeling of protein sequence and biophysical properties (such as structural, functional, and spatial information, amino acid conservation, physicochemical variation, residue mobility, and thermodynamic stability) performed at Invitae indicates that this missense variant is not expected to disrupt MBD5 protein function. This variant has not been reported in the literature in individuals affected with MBD5-related conditions.